The following is an entry in ClinVar:

NM_032043.3(BRIP1):c.1220G>A (p.Ser407Asn)

Gene: BRIP1 (BRCA1 interacting DNA helicase 1; minus strand). Cytogenetic location: 17q23.2.
Variant type: single nucleotide variant.
Coding change: c.1220G>A on transcript NM_032043.3 (MANE Select); coding-DNA position 1220, G replaced by A.
Protein change: p.Ser407Asn; replaces serine 407 with asparagine.
Molecular consequence: missense variant.
Genome position (GRCh38, 1-based): chr17:61,799,220, C>T on the plus strand (G>A on the coding strand, the complement: BRIP1 is on the minus strand). VCF-style: chr17-61799220-C-T. GRCh37 (hg19) VCF-style: chr17-59876581-C-T.
Other names: short protein forms S407N.
Identifiers: ClinVar variation 232552 (VCV000232552.30), dbSNP rs759835916, ClinGen allele CA8690774.

ClinVar aggregate classification (germline): Uncertain significance. Review status: criteria provided, multiple submitters, no conflicts (2 of 4 stars). 7 submissions from 7 submitters: Uncertain significance (7). Last evaluated 2025-12-02.

Conditions:
Fanconi anemia complementation group J. Also called: BRIP1-Related Fanconi Anemia. Identifiers: Orphanet 84, MedGen C1836860, MONDO:0012187, OMIM 609054.
Familial cancer of breast. Also called: Hereditary breast cancer; hereditary breast carcinoma; BREAST CANCER, FAMILIAL. Identifiers: Orphanet 227535, MedGen C0346153, MONDO:0016419, OMIM 114480. Disease mechanism: loss of function.
Hereditary cancer-predisposing syndrome. Also called: Hereditary Cancer Syndrome; Neoplastic Syndromes, Hereditary; Tumor predisposition; Hereditary neoplastic syndrome. Identifiers: Orphanet 140162, MedGen C0027672, MeSH D009386, MONDO:0015356.

Allele frequency attached by ClinVar (database versions not stated): gnomAD exomes below 0.00001; ExAC 0.00001; gnomAD 0.00003 and 0.00004; TOPMed 0.00004.
gnomAD v4.1: 8 of 1,613,516 alleles (0.0005%); highest among the groups gnomAD compares: African/African-American, 0.011%; no homozygotes.

Submissions (7):

Labcorp Genetics (formerly Invitae), Labcorp
Classification: Uncertain significance for Familial cancer of breast; Fanconi anemia complementation group J. Last evaluated: 2025-12-02. Review status: criteria provided, single submitter. Criteria: Invitae Variant Classification Sherloc (09022015). Collection method: clinical testing. Allele origin: germline.
Comment: This sequence change replaces serine, which is neutral and polar, with asparagine, which is neutral and polar, at codon 407 of the BRIP1 protein (p.Ser407Asn). This variant is present in population databases (rs759835916, gnomAD 0.007%). This variant has not been reported in the literature in individuals affected with BRIP1-related conditions. ClinVar contains an entry for this variant (Variation ID: 232552). Invitae Evidence Modeling of protein sequence and biophysical properties (such as structural, functional, and spatial information, amino acid conservation, physicochemical variation, residue mobility, and thermodynamic stability) has been performed for this missense variant. However, the output from this modeling did not meet the statistical confidence thresholds required to predict the impact of this variant on BRIP1 protein function. In summary, the available evidence is currently insufficient to determine the role of this variant in disease. Therefore, it has been classified as a Variant of Uncertain Significance.

ARUP Laboratories, Molecular Genetics and Genomics, ARUP Laboratories
Classification: Uncertain significance. Last evaluated: 2025-03-27. Review status: criteria provided, single submitter. Criteria: ARUP Molecular Germline Variant Investigation Process 2024. Collection method: clinical testing. Allele origin: germline.
Comment: The BRIP1 c.1220G>A; p.Ser407Asn variant (rs759835916), to our knowledge, has not been reported in the medical literature but is reported in ClinVar (Variation ID: 232552). This variant is only observed on one allele in the Genome Aggregation Database (v2.1.1), indicating it is not a common polymorphism. Computational analyses are uncertain whether this variant is neutral or deleterious (REVEL: 0.647). Due to limited information, the clinical significance of this variant is uncertain at this time.

GeneDx
Classification: Uncertain significance. Last evaluated: 2024-12-19. Review status: criteria provided, single submitter. Criteria: GeneDx Variant Classification Process June 2021. Collection method: clinical testing. Allele origin: germline. Affected: yes.
Comment: Not observed at significant frequency in large population cohorts (gnomAD); In silico analysis supports that this missense variant has a deleterious effect on protein structure/function; Has not been previously published as pathogenic or benign to our knowledge

Ambry Genetics
Classification: Uncertain significance for Hereditary cancer-predisposing syndrome. Last evaluated: 2024-10-01. Review status: criteria provided, single submitter. Criteria: Ambry Variant Classification Scheme 2023. Collection method: clinical testing. Allele origin: germline.
Comment: The p.S407N variant (also known as c.1220G>A), located in coding exon 8 of the BRIP1 gene, results from a G to A substitution at nucleotide position 1220. The serine at codon 407 is replaced by asparagine, an amino acid with highly similar properties. This amino acid position is highly conserved in available vertebrate species. In addition, the in silico prediction for this alteration is inconclusive. Since supporting evidence is limited at this time, the clinical significance of this alteration remains unclear.

Molecular Diagnostics Laboratory, Catalan Institute of Oncology
Classification: Uncertain significance for Hereditary cancer-predisposing syndrome. Last evaluated: 2024-09-03. Review status: criteria provided, single submitter. Criteria: ACMG Guidelines, 2015. Collection method: clinical testing. Allele origin: germline.
Comment: PM2_Supporting, PP3 c.1220G>A, located in exon 9 of the BRIP1 gene, is predicted to result in the substitution of serine by asparagine at codon 407, p.(Ser407Asn). This variant is found in 1/267950 alleles at a frequency of 0.0007% in the gnomAD v2.1.1 database, non-cancer dataset (PM2_supporting). The SpliceAI algorithm predicts no significant impact on splicing. The REVEL meta-predictor score for this variant (0.647) suggests a deleterious effect on protein function according to Pejaver 2022 thresholds (PMID: 36413997) (PP3). To our knowledge, neither relevant clinical data nor well-stablished functional studies have been reported for this variant. In addition, the variant has been identified in the ClinVar database (5x uncertain significance), but it is not present in the LOVD database. Based on currently available information, the variant c.1220G>A should be considered an uncertain significance variant.

Baylor Genetics
Classification: Uncertain significance for Familial cancer of breast. Last evaluated: 2024-03-05. Review status: criteria provided, single submitter. Criteria: ACMG Guidelines, 2015. Collection method: clinical testing. Allele origin: unknown.

Color Diagnostics, LLC DBA Color Health
Classification: Uncertain significance for Hereditary cancer-predisposing syndrome. Last evaluated: 2023-12-06. Review status: criteria provided, single submitter. Criteria: ACMG Guidelines, 2015. Collection method: clinical testing. Allele origin: germline.
Comment: This missense variant replaces serine with asparagine at codon 407 of the BRIP1 protein. Computational prediction is inconclusive regarding the impact of this variant on protein structure and function (internally defined REVEL score threshold 0.5 < inconclusive < 0.7, PMID: 27666373). To our knowledge, functional studies have not been reported for this variant. This variant has not been reported in individuals affected with hereditary cancer in the literature. This variant has been identified in 1/251090 chromosomes in the general population by the Genome Aggregation Database (gnomAD). The available evidence is insufficient to determine the role of this variant in disease conclusively. Therefore, this variant is classified as a Variant of Uncertain Significance.